The following is an entry in ClinVar:

ClinVar aggregate classification (germline): Uncertain significance (0 of 4 stars; one submission).

Conditions:
SEMA3G-related disorder. Also called: SEMA3G-related condition.

Allele frequency attached by ClinVar (database versions not stated): gnomAD 0.00003; ExAC 0.00004; TOPMed 0.00004; ESP Exome Variant Server 0.00015.
gnomAD v4.1: 49 of 1,612,078 alleles (0.003%); highest among the groups gnomAD compares: East Asian, 0.011%; no homozygotes.

Submission:

PreventionGenetics, part of Exact Sciences
Classification: Uncertain significance for SEMA3G-related condition. Last evaluated: 2024-03-13. Review status: no assertion criteria provided. Collection method: clinical testing. Allele origin: germline.
Comment: The SEMA3G c.1907C>T variant is predicted to result in the amino acid substitution p.Thr636Met. To our knowledge, this variant has not been reported in the literature. This variant is reported in 0.0057% of alleles in individuals of Latino descent in gnomAD. At this time, the clinical significance of this variant is uncertain due to the absence of conclusive functional and genetic evidence.

NM_020163.3(SEMA3G):c.1907C>T (p.Thr636Met)

Gene: SEMA3G (semaphorin 3G; minus strand). Cytogenetic location: 3p21.1.
Variant type: single nucleotide variant.
Coding change: c.1907C>T on transcript NM_020163.3 (MANE Select); coding-DNA position 1907, C replaced by T.
Protein change: p.Thr636Met; replaces threonine 636 with methionine.
Molecular consequence: missense variant.
Genome position (GRCh38, 1-based): chr3:52,436,045, G>A on the plus strand (C>T on the coding strand, the complement: SEMA3G is on the minus strand). VCF-style: chr3-52436045-G-A. GRCh37 (hg19) VCF-style: chr3-52470061-G-A.
Other names: short protein forms T636M.
Identifiers: ClinVar variation 2631899 (VCV002631899.2), dbSNP rs151151732, ClinGen allele CA2437771.
Genomic context (GRCh38, chr3:52,436,045, plus strand): 5'-GTGCAGGTGTAGGTGCCCGCATCGAAACGGCTAAGCCTGCGGAACAGCAGCCCCCGCTCC[G>A]TGTGCAAGACTCGCTCGTCCGTCTTCACCTGCCATGCGGGCGGGAGGGCGTGAGTAGGGT-3'
Protein context (NP_064548.1, residues 626-646): QVKTDERVLH[Thr636Met]ERGLLFRRLS